The following is an entry in ClinVar:

NM_004380.3(CREBBP):c.2158+1G>A

Gene: CREBBP (CREB binding protein; minus strand). Cytogenetic location: 16p13.3.
Variant type: single nucleotide variant.
Coding change: c.2158+1G>A on transcript NM_004380.3 (MANE Select); the canonical splice donor site of the intron after coding-DNA position 2158, G replaced by A.
Molecular consequence: splice donor variant.
Genome position (GRCh38, 1-based): chr16:3,777,612, C>T on the plus strand (G>A on the coding strand, the complement: CREBBP is on the minus strand). VCF-style: chr16-3777612-C-T. GRCh37 (hg19) VCF-style: chr16-3827613-C-T.
Other names: c.2044+1G>A (NM_001079846.1).
Identifiers: ClinVar variation 3340390 (VCV003340390.1).

ClinVar aggregate classification (germline): Likely pathogenic (1 of 4 stars; one submission).

Submission:

GeneDx
Classification: Likely pathogenic. Last evaluated: 2023-04-12. Review status: criteria provided, single submitter. Criteria: GeneDx Variant Classification Process June 2021. Collection method: clinical testing. Allele origin: germline. Affected: yes.
Comment: Canonical splice site variant expected to result in aberrant splicing, although in the absence of functional evidence the actual effect of this sequence change is unknown.; Not observed at significant frequency in large population cohorts (gnomAD); This variant is associated with the following publications: (PMID: 27848944)